The following is an entry in ClinVar:

ClinVar aggregate classification (germline): Uncertain significance (1 of 4 stars; one submission).

Conditions:
EGFR-related lung cancer (EGFR). Identifiers: MedGen CN130014.

Submission:

Labcorp Genetics (formerly Invitae), Labcorp
Classification: Uncertain significance for EGFR-related lung cancer. Last evaluated: 2025-04-13. Review status: criteria provided, single submitter. Criteria: Invitae Variant Classification Sherloc (09022015). Collection method: clinical testing. Allele origin: germline.
Comment: This sequence change replaces threonine, which is neutral and polar, with asparagine, which is neutral and polar, at codon 1131 of the EGFR protein (p.Thr1131Asn). This variant is not present in population databases (gnomAD no frequency). This variant has not been reported in the literature in individuals affected with EGFR-related conditions. An algorithm developed to predict the effect of missense changes on protein structure and function outputs the following: PolyPhen-2: "Benign". The asparagine amino acid residue is found in multiple mammalian species, which suggests that this missense change does not adversely affect protein function. In summary, the available evidence is currently insufficient to determine the role of this variant in disease. Therefore, it has been classified as a Variant of Uncertain Significance.

NM_005228.5(EGFR):c.3392C>A (p.Thr1131Asn)

Gene: EGFR (epidermal growth factor receptor; plus strand). Cytogenetic location: 7p11.2.
Variant type: single nucleotide variant.
Coding change: c.3392C>A on transcript NM_005228.5 (MANE Select); coding-DNA position 3392, C replaced by A.
Protein change: p.Thr1131Asn; replaces threonine 1131 with asparagine.
Molecular consequence: missense variant.
Genome position (GRCh38, 1-based): chr7:55,205,376, C>A. VCF-style: chr7-55205376-C-A. GRCh37 (hg19) VCF-style: chr7-55273069-C-A.
Other names: c.3257C>A, p.Thr1086Asn (NM_001346899.2); c.3233C>A, p.Thr1078Asn (NM_001346900.2); c.2591C>A, p.Thr864Asn (NM_001346941.2); short protein forms T1086N, T1078N, T1131N, T864N.
Identifiers: ClinVar variation 4717375 (VCV004717375.1).